The following is an entry in ClinVar:

NM_016379.4(VCX3A):c.222C>A (p.Pro74=)

Genes: VCX3A (variable charge X-linked 3A; minus strand), LOC106029240 (S232-VCX3A recombination region; plus strand). Cytogenetic location: Xp22.31.
Variant type: single nucleotide variant.
Coding change: c.222C>A on transcript NM_016379.4 (MANE Select); coding-DNA position 222, C replaced by A.
Protein change: p.Pro74=; no amino-acid change (proline 74 retained).
Molecular consequence: synonymous variant.
Genome position (GRCh38, 1-based): chrX:6,534,084, G>T on the plus strand (C>A on the coding strand, the complement: VCX3A is on the minus strand). VCF-style: chrX-6534084-G-T. GRCh37 (hg19) VCF-style: chrX-6452125-G-T.
Identifiers: ClinVar variation 3034320 (VCV003034320.2), dbSNP rs753203062, ClinGen allele CA10341630.

ClinVar aggregate classification (germline): Likely benign (0 of 4 stars; one submission).

Conditions:
VCX3A-related disorder. Also called: VCX3A-related condition.

Allele frequency attached by ClinVar (database versions not stated): 1000 Genomes Project 0.00132.

Submission:

PreventionGenetics, part of Exact Sciences
Classification: Likely benign for VCX3A-related condition. Last evaluated: 2022-08-02. Review status: no assertion criteria provided. Collection method: clinical testing. Allele origin: germline.
Comment: This variant is classified as likely benign based on ACMG/AMP sequence variant interpretation guidelines (Richards et al. 2015 PMID: 25741868, with internal and published modifications).